The following is an entry in ClinVar:

NM_007294.4(BRCA1):c.1441C>A (p.Leu481Ile)

Gene: BRCA1 (BRCA1 DNA repair associated; minus strand). Cytogenetic location: 17q21.31.
Variant type: single nucleotide variant.
Coding change: c.1441C>A on transcript NM_007294.4 (MANE Select); coding-DNA position 1441, C replaced by A.
Protein change: p.Leu481Ile; replaces leucine 481 with isoleucine.
Molecular consequence: missense variant. On other transcripts: intron variant (137).
Genome position (GRCh38, 1-based): chr17:43,094,090, G>T on the plus strand (C>A on the coding strand, the complement: BRCA1 is on the minus strand). VCF-style: chr17-43094090-G-T. GRCh37 (hg19) VCF-style: chr17-41246107-G-T.
Other names: c.1318C>A, p.Leu440Ile (NM_001407679.1, NM_001407680.1, NM_001407681.1 and 19 more transcripts); c.1441C>A, p.Leu481Ile (NM_001407684.1, NM_001407581.1, NM_001407582.1 and 30 more transcripts); c.1315C>A, p.Leu439Ile (NM_001407685.1, NM_001407686.1, NM_001407687.1 and 11 more transcripts); c.1300C>A, p.Leu434Ile (NM_001407698.1, NM_001407724.1, NM_001407725.1 and 29 more transcripts); c.1228C>A, p.Leu410Ile (NM_001407571.1, NM_001407853.1, NM_001407894.1 and 9 more transcripts); c.1438C>A, p.Leu480Ile (NM_001407587.1, NM_001407590.1, NM_001407591.1 and 22 more transcripts); c.1432C>A, p.Leu478Ile (NM_001407646.1, NM_001407647.1); c.1363C>A, p.Leu455Ile (NM_001407653.1, NM_001407654.1, NM_001407655.1 and 4 more transcripts); and 40 more; short protein forms L434I, L481I, L185I, L369I, L413I, L414I, L440I, L313I.
Identifiers: ClinVar variation 856298 (VCV000856298.16), dbSNP rs1397842308, ClinGen allele CA10599159.

ClinVar aggregate classification (germline): Conflicting classifications of pathogenicity. Review status: criteria provided, conflicting classifications (1 of 4 stars). 4 submissions from 4 submitters: Uncertain significance (3); Likely benign (1). Last evaluated 2025-09-19.

Conditions:
Hereditary cancer-predisposing syndrome. Also called: Tumor predisposition; Hereditary neoplastic syndrome; Neoplastic Syndromes, Hereditary; Hereditary Cancer Syndrome. Identifiers: Orphanet 140162, MedGen C0027672, MeSH D009386, MONDO:0015356.
Hereditary breast ovarian cancer syndrome. Also called: Breast and ovarian cancer; BRCA1- and BRCA2-Associated Hereditary Breast and Ovarian Cancer; Hereditary breast and ovarian cancer; Hereditary breast and ovarian cancer syndrome (HBOC); Hereditary breast and/or ovarian cancer syndrome; Hereditary breast and ovarian cancer syndrome. Identifiers: Orphanet 145, MedGen C0677776, MeSH D061325, MONDO:0003582. Disease mechanism: loss of function.

Allele frequency attached by ClinVar (database versions not stated): gnomAD exomes below 0.00001.
gnomAD v4.1: 1 of 1,614,074 alleles (0.000062%); highest among the groups gnomAD compares: Non-Finnish European, 0.000085%; no homozygotes.

Submissions (4):

Ambry Genetics
Classification: Uncertain significance for Hereditary cancer-predisposing syndrome. Last evaluated: 2025-09-19. Review status: criteria provided, single submitter. Criteria: Ambry Variant Classification Scheme 2023. Collection method: clinical testing. Allele origin: germline.
Comment: The p.L481I variant (also known as c.1441C>A), located in coding exon 9 of the BRCA1 gene, results from a C to A substitution at nucleotide position 1441. The leucine at codon 481 is replaced by isoleucine, an amino acid with highly similar properties. This amino acid position is not well conserved in available vertebrate species. In addition, the in silico prediction for this alteration is inconclusive. Based on the available evidence, the clinical significance of this variant remains unclear.

Labcorp Genetics (formerly Invitae), Labcorp
Classification: Uncertain significance for Hereditary breast ovarian cancer syndrome. Last evaluated: 2024-06-11. Review status: criteria provided, single submitter. Criteria: Invitae Variant Classification Sherloc (09022015). Collection method: clinical testing. Allele origin: germline.
Comment: This sequence change replaces leucine, which is neutral and non-polar, with isoleucine, which is neutral and non-polar, at codon 481 of the BRCA1 protein (p.Leu481Ile). This variant is present in population databases (no rsID available, gnomAD 0.0009%). This variant has not been reported in the literature in individuals affected with BRCA1-related conditions. ClinVar contains an entry for this variant (Variation ID: 856298). Advanced modeling of protein sequence and biophysical properties (such as structural, functional, and spatial information, amino acid conservation, physicochemical variation, residue mobility, and thermodynamic stability) performed at Invitae indicates that this missense variant is not expected to disrupt BRCA1 protein function with a negative predictive value of 95%. In summary, the available evidence is currently insufficient to determine the role of this variant in disease. Therefore, it has been classified as a Variant of Uncertain Significance.

University of Washington Department of Laboratory Medicine, University of Washington
Classification: Likely benign for Hereditary cancer-predisposing syndrome. Last evaluated: 2023-03-23. Review status: criteria provided, single submitter. Criteria: Dines et al. (Genet Med. 2020). Collection method: curation. Allele origin: germline.
Comment: Missense variant in a coldspot region where missense variants are very unlikely to be pathogenic (PMID:31911673).

BRCA1 coldspot (exon 11 using historical exon numbering). Reclassification based on statistical prior probability

GeneDx
Classification: Uncertain significance. Last evaluated: 2022-09-30. Review status: criteria provided, single submitter. Criteria: GeneDx Variant Classification Process June 2021. Collection method: clinical testing. Allele origin: germline. Affected: yes.
Comment: Not observed at significant frequency in large population cohorts (gnomAD); In silico analysis supports that this missense variant does not alter protein structure/function; Has not been previously published as pathogenic or benign to our knowledge; Also known as 1560C>A; This variant is associated with the following publications: (PMID: 15343273)